The following is an entry in ClinVar:

ClinVar aggregate classification (germline): Uncertain significance. Review status: criteria provided, multiple submitters, no conflicts (2 of 4 stars). 2 submissions from 2 submitters: Uncertain significance (2). Last evaluated 2025-07-31.

Conditions:
RASopathy. Also called: rasopathies; Noonan spectrum disorder. Identifiers: Orphanet 536391, MedGen C5555857, MONDO:0021060.
Cardiovascular phenotype. Identifiers: MedGen CN230736.

Submissions (2):

Ambry Genetics
Classification: Uncertain significance for Cardiovascular phenotype. Last evaluated: 2025-07-31. Review status: criteria provided, single submitter. Criteria: Ambry Variant Classification Scheme 2023. Collection method: clinical testing. Allele origin: germline.

Labcorp Genetics (formerly Invitae), Labcorp
Classification: Uncertain significance for RASopathy. Last evaluated: 2022-07-29. Review status: criteria provided, single submitter. Criteria: Invitae Variant Classification Sherloc (09022015). Collection method: clinical testing. Allele origin: germline.
Comment: This variant is not present in population databases (gnomAD no frequency). This sequence change replaces asparagine, which is neutral and polar, with serine, which is neutral and polar, at codon 368 of the SHOC2 protein (p.Asn368Ser). This variant has not been reported in the literature in individuals affected with SHOC2-related conditions. In summary, the available evidence is currently insufficient to determine the role of this variant in disease. Therefore, it has been classified as a Variant of Uncertain Significance. Algorithms developed to predict the effect of missense changes on protein structure and function (SIFT, PolyPhen-2, Align-GVGD) all suggest that this variant is likely to be tolerated.

NM_007373.4(SHOC2):c.1103A>G (p.Asn368Ser)

Gene: SHOC2 (SHOC2 leucine rich repeat scaffold protein; plus strand). Cytogenetic location: 10q25.2.
Variant type: single nucleotide variant.
Coding change: c.1103A>G on transcript NM_007373.4 (MANE Select); coding-DNA position 1103, A replaced by G.
Protein change: p.Asn368Ser; replaces asparagine 368 with serine.
Molecular consequence: missense variant. On other transcripts: non-coding transcript variant (1).
Genome position (GRCh38, 1-based): chr10:111,004,736, A>G. VCF-style: chr10-111004736-A-G. GRCh37 (hg19) VCF-style: chr10-112764494-A-G.
Other names: c.965A>G, p.Asn322Ser (NM_001269039.3); c.1103A>G, p.Asn368Ser (NM_001324336.2, NM_001324337.2); short protein forms N322S, N368S.
Identifiers: ClinVar variation 1714143 (VCV001714143.6), dbSNP rs2493945790, ClinGen allele CA378523146.
Genomic context (GRCh38, chr10:111,004,736, plus strand): 5'-TGGGTGGTCCATCTCAGTTTTCTACCATCTATTCCCTCAACATGGAACACAATCGAATCA[A>G]CAAAATTCCATTTGGAATTTTCTCCAGAGCAAAAGTATTAAGTAAGCTGAATATGAAGGT-3'
Protein context (NP_031399.2, residues 358-378): YSLNMEHNRI[Asn368Ser]KIPFGIFSRA